The following is an entry in ClinVar:

NM_001099402.2(CCNK):c.1593C>T (p.Pro531=)

Genes: CCDC85C (coiled-coil domain containing 85C; minus strand), CCNK (cyclin K; plus strand). Cytogenetic location: 14q32.2.
Variant type: single nucleotide variant.
Coding change: c.1593C>T on transcript NM_001099402.2 (MANE Select); coding-DNA position 1593, C replaced by T.
Protein change: p.Pro531=; no amino-acid change (proline 531 retained).
Molecular consequence: synonymous variant. On other transcripts: 3 prime UTR variant (1).
Genome position (GRCh38, 1-based): chr14:99,510,632, C>T. VCF-style: chr14-99510632-C-T. GRCh37 (hg19) VCF-style: chr14-99976969-C-T.
Other names: c.*4614G>A (NM_001144995.2).
Identifiers: ClinVar variation 3053554 (VCV003053554.3), dbSNP rs376250447, ClinGen allele CA7340887.

ClinVar aggregate classification (germline): Likely benign. Review status: criteria provided, single submitter (1 of 4 stars). 2 submissions from 2 submitters: Likely benign (1). 1 of the submissions does not count toward it. Last evaluated 2024-07-15.

Conditions:
CCNK-related disorder. Also called: CCNK-related condition.

Allele frequency attached by ClinVar (database versions not stated): gnomAD exomes 0.00032; ESP Exome Variant Server 0.00120; ExAC 0.00181; gnomAD 0.00255; 1000 Genomes Project 0.00280; 1000 Genomes Project 30x 0.00281.
gnomAD v4.1: 744 of 1,409,416 alleles (0.053%); highest among the groups gnomAD compares: African/African-American, 1.2%; 4 homozygotes.

Submissions (2):

Blueprint Genetics
Classification: Likely benign. Last evaluated: 2024-07-15. Review status: criteria provided, single submitter. Criteria: ACMG Guidelines, 2015. Collection method: clinical testing. Allele origin: germline.

PreventionGenetics, part of Exact Sciences
Classification: Benign for CCNK-related condition. Last evaluated: 2019-02-18. Review status: no assertion criteria provided. Collection method: clinical testing. Allele origin: germline. Not counted in ClinVar's aggregate classification.
Comment: This variant is classified as benign based on ACMG/AMP sequence variant interpretation guidelines (Richards et al. 2015 PMID: 25741868, with internal and published modifications).